The following is an entry in ClinVar:

ClinVar aggregate classification (germline): Uncertain significance. Review status: criteria provided, multiple submitters, no conflicts (2 of 4 stars). 2 submissions from 2 submitters: Uncertain significance (2). Last evaluated 2024-03-07.

Conditions:
Jeune thoracic dystrophy. Also called: Jeune syndrome; Infantile thoracic dystrophy; Thoracic pelvic phalangeal dystrophy; Jeune's syndrome; Chondroectodermal dysplasia-like syndrome; Short-rib thoracic dysplasia. Identifiers: Orphanet 474, MedGen C0265275, MONDO:0018770.
Asphyxiating thoracic dystrophy 2 (SRTD2). Also called: SHORT-RIB THORACIC DYSPLASIA 2 WITH POLYDACTYLY; SHORT-RIB THORACIC DYSPLASIA 2 WITHOUT POLYDACTYLY; SHORT-RIB THORACIC DYSPLASIA 2 WITH OR WITHOUT POLYDACTYLY. Identifiers: Orphanet 474, MedGen C1970005, MONDO:0012644, OMIM 611263.

Allele frequency attached by ClinVar (database versions not stated): gnomAD exomes below 0.00001; TOPMed below 0.00001; ESP Exome Variant Server 0.00008.
gnomAD v4.1: 1 of 1,612,056 alleles (0.000062%); highest among the groups gnomAD compares: Non-Finnish European, 0.000085%; no homozygotes.

Submissions (2):

Fulgent Genetics
Classification: Uncertain significance for Asphyxiating thoracic dystrophy 2. Last evaluated: 2024-03-07. Review status: criteria provided, single submitter. Criteria: ACMG Guidelines, 2015. Collection method: clinical testing. Allele origin: germline.

Labcorp Genetics (formerly Invitae), Labcorp
Classification: Uncertain significance for Jeune thoracic dystrophy. Last evaluated: 2020-07-08. Review status: criteria provided, single submitter. Criteria: Invitae Variant Classification Sherloc (09022015). Collection method: clinical testing. Allele origin: germline.
Comment: This sequence change replaces tryptophan with arginine at codon 22 of the IFT80 protein (p.Trp22Arg). The tryptophan residue is highly conserved and there is a moderate physicochemical difference between tryptophan and arginine. In summary, the available evidence is currently insufficient to determine the role of this variant in disease. Therefore, it has been classified as a Variant of Uncertain Significance. Algorithms developed to predict the effect of missense changes on protein structure and function (SIFT, PolyPhen-2, Align-GVGD) all suggest that this variant is likely to be disruptive, but these predictions have not been confirmed by published functional studies and their clinical significance is uncertain. This variant has not been reported in the literature in individuals with IFT80-related conditions. This variant is not present in population databases (ExAC no frequency).

NM_020800.3(IFT80):c.64T>C (p.Trp22Arg)

Genes: IFT80 (intraflagellar transport 80; minus strand), TRIM59-IFT80 (TRIM59-IFT80 readthrough (NMD candidate); minus strand). Cytogenetic location: 3q25.33.
Variant type: single nucleotide variant.
Coding change: c.64T>C on transcript NM_020800.3 (MANE Select); coding-DNA position 64, T replaced by C.
Protein change: p.Trp22Arg; replaces tryptophan 22 with arginine.
Molecular consequence: missense variant. On other transcripts: non-coding transcript variant (2), 5 prime UTR variant (2).
Genome position (GRCh38, 1-based): chr3:160,381,698, A>G on the plus strand (T>C on the coding strand, the complement: IFT80 is on the minus strand). VCF-style: chr3-160381698-A-G. GRCh37 (hg19) VCF-style: chr3-160099486-A-G.
Other names: c.-348T>C (NM_001190241.2, NM_001190242.2); short protein forms W22R.
Identifiers: ClinVar variation 1055570 (VCV001055570.10), dbSNP rs140499147, ClinGen allele CA86573546.